The following is an entry in ClinVar:

NM_000538.4(RFXAP):c.236G>A (p.Gly79Glu)

Gene: RFXAP (regulatory factor X associated protein; plus strand). Cytogenetic location: 13q13.3.
Variant type: single nucleotide variant.
Coding change: c.236G>A on transcript NM_000538.4 (MANE Select); coding-DNA position 236, G replaced by A.
Protein change: p.Gly79Glu; replaces glycine 79 with glutamic acid.
Molecular consequence: missense variant.
Genome position (GRCh38, 1-based): chr13:36,819,593, G>A. VCF-style: chr13-36819593-G-A. GRCh37 (hg19) VCF-style: chr13-37393730-G-A.
Other names: short protein forms G79E.
Identifiers: ClinVar variation 645743 (VCV000645743.6), dbSNP rs1458111935, ClinGen allele CA387854090.
Genomic context (GRCh38, chr13:36,819,593, plus strand): 5'-CGGCCCCCGGGGGCAGCGTTGGGGCGGGCAAGCCCGTTAGGTACCTGTGCGAAGGGGCCG[G>A]GGATGGCGAAGAGGAGGCTGGGGAGGACGAGGCGGACCTGTTAGACACTTCGGACCCTCC-3'
Protein context (NP_000529.1, residues 69-89): KPVRYLCEGA[Gly79Glu]DGEEEAGEDE

ClinVar aggregate classification (germline): Uncertain significance (1 of 4 stars; one submission).

Conditions:
MHC class II deficiency. Also called: Bare lymphocyte syndrome 2; BLS, TYPE II. Identifiers: Orphanet 572, MedGen C5447452, MONDO:0008855.

Allele frequency attached by ClinVar (database versions not stated): gnomAD exomes 0.00001; TOPMed 0.00002; gnomAD 0.00005 and 0.00006.
gnomAD v4.1: 11 of 1,536,366 alleles (0.00072%); highest among the groups gnomAD compares: African/African-American, 0.015%; no homozygotes.

Submission:

Labcorp Genetics (formerly Invitae), Labcorp
Classification: Uncertain significance for MHC class II deficiency. Last evaluated: 2021-08-31. Review status: criteria provided, single submitter. Criteria: Invitae Variant Classification Sherloc (09022015). Collection method: clinical testing. Allele origin: germline.
Comment: This sequence change replaces glycine with glutamic acid at codon 79 of the RFXAP protein (p.Gly79Glu). The glycine residue is moderately conserved and there is a moderate physicochemical difference between glycine and glutamic acid. The frequency data for this variant in the population databases is considered unreliable, as metrics indicate insufficient coverage at this position in the ExAC database. This variant has not been reported in the literature in individuals affected with RFXAP-related conditions. Algorithms developed to predict the effect of missense changes on protein structure and function are either unavailable or do not agree on the potential impact of this missense change (SIFT: "Tolerated"; PolyPhen-2: "Probably Damaging"; Align-GVGD: "Class C0"). In summary, the available evidence is currently insufficient to determine the role of this variant in disease. Therefore, it has been classified as a Variant of Uncertain Significance.